The following is an entry in ClinVar:

NM_001323289.2(CDKL5):c.1033G>A (p.Asp345Asn)

Gene: CDKL5 (cyclin dependent kinase like 5; plus strand). Cytogenetic location: Xp22.13.
Variant type: single nucleotide variant.
Coding change: c.1033G>A on transcript NM_001323289.2 (MANE Select); coding-DNA position 1033, G replaced by A.
Protein change: p.Asp345Asn; replaces aspartic acid 345 with asparagine.
Molecular consequence: missense variant.
Genome position (GRCh38, 1-based): chrX:18,603,957, G>A. VCF-style: chrX-18603957-G-A. GRCh37 (hg19) VCF-style: chrX-18622077-G-A.
Other names: c.1033G>A, p.Asp345Asn (NM_001037343.2, NM_003159.3); short protein forms D345N.
Identifiers: ClinVar variation 1771900 (VCV001771900.5), dbSNP rs1477386406, ClinGen allele CA412359019.

ClinVar aggregate classification (germline): Uncertain significance. Review status: criteria provided, multiple submitters, no conflicts (2 of 4 stars). 2 submissions from 2 submitters: Uncertain significance (2). Last evaluated 2023-04-28.

Conditions:
Inborn genetic diseases. Identifiers: MedGen C0950123, MeSH D030342.
Angelman syndrome-like. Identifiers: MedGen CN128785.
Developmental and epileptic encephalopathy, 2 (DEE2). Also called: CDKL5 deficiency disorder; INFANTILE SPASM SYNDROME, X-LINKED 2. Identifiers: Orphanet 1934, Orphanet 3451, Orphanet 505652, MedGen C4750718, MONDO:0010396, OMIM 300672.

Allele frequency attached by ClinVar (database versions not stated): TOPMed 0.00001.
gnomAD v4.1: 5 of 1,210,077 alleles (0.00041%); highest among the groups gnomAD compares: Non-Finnish European, 0.00045%; no homozygotes.

Submissions (2):

Labcorp Genetics (formerly Invitae), Labcorp
Classification: Uncertain significance for Developmental and epileptic encephalopathy, 2; Angelman syndrome-like. Last evaluated: 2023-04-28. Review status: criteria provided, single submitter. Criteria: Invitae Variant Classification Sherloc (09022015). Collection method: clinical testing. Allele origin: germline.
Comment: This variant is not present in population databases (gnomAD no frequency). Advanced modeling of protein sequence and biophysical properties (such as structural, functional, and spatial information, amino acid conservation, physicochemical variation, residue mobility, and thermodynamic stability) has been performed at Invitae for this missense variant, however the output from this modeling did not meet the statistical confidence thresholds required to predict the impact of this variant on CDKL5 protein function. ClinVar contains an entry for this variant (Variation ID: 1771900). This variant has not been reported in the literature in individuals affected with CDKL5-related conditions. This sequence change replaces aspartic acid, which is acidic and polar, with asparagine, which is neutral and polar, at codon 345 of the CDKL5 protein (p.Asp345Asn). In summary, the available evidence is currently insufficient to determine the role of this variant in disease. Therefore, it has been classified as a Variant of Uncertain Significance.

Ambry Genetics
Classification: Uncertain significance for Inborn genetic diseases. Last evaluated: 2018-08-30. Review status: criteria provided, single submitter. Criteria: Ambry Variant Classification Scheme 2023. Collection method: clinical testing. Allele origin: germline.
Comment: The p.D345N variant (also known as c.1033G>A), located in coding exon 11 of the CDKL5 gene, results from a G to A substitution at nucleotide position 1033. The aspartic acid at codon 345 is replaced by asparagine, an amino acid with highly similar properties. This amino acid position is highly conserved in available vertebrate species. In addition, this alteration is predicted to be tolerated by in silico analysis. Since supporting evidence is limited at this time, the clinical significance of this alteration remains unclear.